The following is an entry in ClinVar:

ClinVar aggregate classification (germline): Likely benign. Review status: criteria provided, multiple submitters, no conflicts (2 of 4 stars). 5 submissions from 5 submitters: Likely benign (5). Last evaluated 2025-10-01.

Conditions:
Developmental and epileptic encephalopathy 94 (DEE94). Also called: Epileptic encephalopathy, childhood-onset; CHD2-Related Neurodevelopmental Disorders. Identifiers: Orphanet 1942, Orphanet 2382, MedGen C3809278, MONDO:0014150, OMIM 615369.
Inborn genetic diseases. Identifiers: MedGen C0950123, MeSH D030342.

Allele frequency attached by ClinVar (database versions not stated): gnomAD 0.00003 and 0.00004; gnomAD exomes 0.00006; ExAC 0.00007; TOPMed 0.00008; ESP Exome Variant Server 0.00023.
gnomAD v4.1: 91 of 1,609,370 alleles (0.0057%); highest among the groups gnomAD compares: Admixed American, 0.0085%; no homozygotes.

Submissions (5):

CeGaT Center for Human Genetics Tuebingen
Classification: Likely benign. Last evaluated: 2025-10-01. Review status: criteria provided, single submitter. Criteria: CeGaT Center For Human Genetics Tuebingen Variant Classification Criteria Version 2. Collection method: clinical testing. Allele origin: germline. Affected: yes. Observed: 1 variant allele.
Comment: CHD2: BS1

Labcorp Genetics (formerly Invitae), Labcorp
Classification: Likely benign for Developmental and epileptic encephalopathy 94. Last evaluated: 2025-09-07. Review status: criteria provided, single submitter. Criteria: Invitae Variant Classification Sherloc (09022015). Collection method: clinical testing. Allele origin: germline.

Blueprint Genetics
Classification: Likely benign. Last evaluated: 2023-05-31. Review status: criteria provided, single submitter. Criteria: ACMG Guidelines, 2015. Collection method: clinical testing. Allele origin: germline.

GeneDx
Classification: Likely benign. Last evaluated: 2020-11-03. Review status: criteria provided, single submitter. Criteria: GeneDx Variant Classification Process June 2021. Collection method: clinical testing. Allele origin: germline. Affected: yes.

Ambry Genetics
Classification: Likely benign for Inborn genetic diseases. Last evaluated: 2018-01-05. Review status: criteria provided, single submitter. Criteria: Ambry Variant Classification Scheme 2023. Collection method: clinical testing. Allele origin: germline.

NM_001271.4(CHD2):c.4025G>A (p.Arg1342Gln)

Gene: CHD2 (chromodomain helicase DNA binding protein 2; plus strand). Cytogenetic location: 15q26.1.
Variant type: single nucleotide variant.
Coding change: c.4025G>A on transcript NM_001271.4 (MANE Select); coding-DNA position 4025, G replaced by A.
Protein change: p.Arg1342Gln; replaces arginine 1342 with glutamine.
Molecular consequence: missense variant.
Genome position (GRCh38, 1-based): chr15:93,000,528, G>A. VCF-style: chr15-93000528-G-A. GRCh37 (hg19) VCF-style: chr15-93543758-G-A.
Other names: short protein forms R1342Q.
Identifiers: ClinVar variation 567224 (VCV000567224.24), dbSNP rs143503275, ClinGen allele CA7748359.
Genomic context (GRCh38, chr15:93,000,528, plus strand): 5'-TGTCTTGATTTGTATTTTAATCATCATTTTCTCTCCTTTTCCAGGCCAAATTAAAGAAGC[G>A]GAAGCCTCGGGTAAAGAAGGAAAACAAAGTGCCCAGGCTGAAAGAGGAGCATGGAATTGA-3'
Protein context (NP_001262.3, residues 1332-1352): TGGEEAKLKK[Arg1342Gln]KPRVKKENKV